The following is an entry in ClinVar:

ClinVar aggregate classification (germline): Likely benign (0 of 4 stars; one submission).

Conditions:
ITGA9-related disorder. Also called: ITGA9-related condition.

Allele frequency attached by ClinVar (database versions not stated): gnomAD 0.00009; ESP Exome Variant Server 0.00015; ExAC 0.00021; 1000 Genomes Project 0.00080; 1000 Genomes Project 30x 0.00109.
gnomAD v4.1: 141 of 1,607,780 alleles (0.0088%); highest among the groups gnomAD compares: East Asian, 0.17%; no homozygotes.

Submission:

PreventionGenetics, part of Exact Sciences
Classification: Likely benign for ITGA9-related condition. Last evaluated: 2019-06-17. Review status: no assertion criteria provided. Collection method: clinical testing. Allele origin: germline.
Comment: This variant is classified as likely benign based on ACMG/AMP sequence variant interpretation guidelines (Richards et al. 2015 PMID: 25741868, with internal and published modifications).

NM_002207.3(ITGA9):c.1916+7C>T

Gene: ITGA9 (integrin subunit alpha 9; plus strand). Cytogenetic location: 3p22.2.
Variant type: single nucleotide variant.
Coding change: c.1916+7C>T on transcript NM_002207.3 (MANE Select); 7 bases into the intron after coding-DNA position 1916, C replaced by T.
Molecular consequence: intron variant.
Genome position (GRCh38, 1-based): chr3:37,653,797, C>T. VCF-style: chr3-37653797-C-T. GRCh37 (hg19) VCF-style: chr3-37695288-C-T.
Identifiers: ClinVar variation 3033456 (VCV003033456.2), dbSNP rs143960385, ClinGen allele CA2310985.